The following is an entry in ClinVar:

NM_000260.4(MYO7A):c.397C>G (p.His133Asp)

Gene: MYO7A (myosin VIIA; plus strand). Cytogenetic location: 11q13.5.
Variant type: single nucleotide variant.
Coding change: c.397C>G on transcript NM_000260.4 (MANE Select); coding-DNA position 397, C replaced by G.
Protein change: p.His133Asp; replaces histidine 133 with aspartic acid.
Molecular consequence: missense variant.
Genome position (GRCh38, 1-based): chr11:77,156,018, C>G. VCF-style: chr11-77156018-C-G. GRCh37 (hg19) VCF-style: chr11-76867064-C-G.
Other names: c.397C>G, p.His133Asp (NM_001127180.2); c.364C>G, p.His122Asp (NM_001369365.1); short protein forms H133D, H122D.
Identifiers: ClinVar variation 552051 (VCV000552051.6), dbSNP rs111033403, ClinGen allele CA381931480.

ClinVar aggregate classification (germline): Pathogenic. Review status: criteria provided, single submitter (1 of 4 stars). 2 submissions from 2 submitters: Pathogenic (1). 1 of the submissions does not count toward it. Last evaluated 2023-04-06.

Conditions:
Autosomal recessive nonsyndromic hearing loss 2. Also called: DEAFNESS, AUTOSOMAL RECESSIVE 2; NEUROSENSORY NONSYNDROMIC RECESSIVE DEAFNESS 2. Identifiers: Orphanet 90636, MedGen C1838701, MONDO:0010807, OMIM 600060.
Usher syndrome type 1 (USH1). Also called: RETINITIS PIGMENTOSA AND CONGENITAL DEAFNESS. Identifiers: Orphanet 231169, Orphanet 886, MedGen C1568247, MONDO:0010168, OMIM 276900.

Allele frequency attached by ClinVar (database versions not stated): TOPMed 0.00001.
gnomAD v4.1: 1 of 1,613,960 alleles (0.000062%); highest among the groups gnomAD compares: Non-Finnish European, 0.000085%; no homozygotes.

Submissions (2):

Labcorp Genetics (formerly Invitae), Labcorp
Classification: Pathogenic. Last evaluated: 2023-04-06. Review status: criteria provided, single submitter. Criteria: Invitae Variant Classification Sherloc (09022015). Collection method: clinical testing. Allele origin: germline.
Comment: This sequence change replaces histidine, which is basic and polar, with aspartic acid, which is acidic and polar, at codon 133 of the MYO7A protein (p.His133Asp). This variant is not present in population databases (gnomAD no frequency). This missense change has been observed in individual(s) with autosomal recessive Usher syndrome (PMID: 15823922, 16679490). In at least one individual the data is consistent with being in trans (on the opposite chromosome) from a pathogenic variant. ClinVar contains an entry for this variant (Variation ID: 552051). Advanced modeling of protein sequence and biophysical properties (such as structural, functional, and spatial information, amino acid conservation, physicochemical variation, residue mobility, and thermodynamic stability) performed at Invitae indicates that this missense variant is expected to disrupt MYO7A protein function. This variant disrupts the p.His133 amino acid residue in MYO7A. Other variant(s) that disrupt this residue have been determined to be pathogenic (PMID: 26969326; Invitae). This suggests that this residue is clinically significant, and that variants that disrupt this residue are likely to be disease-causing. For these reasons, this variant has been classified as Pathogenic.

Counsyl
Classification: Uncertain significance for Usher syndrome type 1; Autosomal recessive nonsyndromic hearing loss 2. Last evaluated: 2017-05-19. Review status: flagged submission. Collection method: clinical testing. Allele origin: unknown. Not counted in ClinVar's aggregate classification.
ClinVar note: Reason: Claim with insufficient supporting evidence

Literature cited by the submitters: PubMed 15823922 (cited by Labcorp Genetics (formerly Invitae), Labcorp); PubMed 16679490 (cited by Labcorp Genetics (formerly Invitae), Labcorp and Counsyl); PubMed 26969326 (cited by Labcorp Genetics (formerly Invitae), Labcorp).